The following is an entry in ClinVar:

NM_002303.6(LEPR):c.2034A>G (p.Arg678=)

Genes: LEPR (leptin receptor; plus strand), LOC122094844 (Sharpr-MPRA regulatory region 5730; plus strand). Cytogenetic location: 1p31.3.
Variant type: single nucleotide variant.
Coding change: c.2034A>G on transcript NM_002303.6 (MANE Select); coding-DNA position 2034, A replaced by G.
Protein change: p.Arg678=; no amino-acid change (arginine 678 retained).
Molecular consequence: synonymous variant.
Genome position (GRCh38, 1-based): chr1:65,616,046, A>G. VCF-style: chr1-65616046-A-G. GRCh37 (hg19) VCF-style: chr1-66081729-A-G.
Other names: c.2034A>G, p.Arg678= (NM_001003679.3, NM_001003680.3, NM_001198687.2 and 2 more transcripts).
Identifiers: ClinVar variation 4985330 (VCV004985330.1).

ClinVar aggregate classification (germline): Uncertain significance (1 of 4 stars; one submission).

Conditions:
LEPR-related disorder. Also called: LEPR-related disorders; LEPR-related condition.

gnomAD v4.1: 27 of 1,614,048 alleles (0.0017%); highest among the groups gnomAD compares: South Asian, 0.026%; no homozygotes.

Submission:

PreventionGenetics, part of Exact Sciences
Classification: Uncertain significance for LEPR-related condition. Last evaluated: 2025-09-30. Review status: criteria provided, single submitter. Criteria: ACMG Guidelines, 2015. Collection method: clinical testing. Allele origin: germline.
Comment: The LEPR c.2034A>G variant is not predicted to result in an amino acid change (p.=). This variant is predicted to increase the strength of a cryptic donor splice site (SpliceAI, Jaganathan et al. 2019. PubMed ID: 30661751); however, the use of computer prediction programs is not equivalent to functional evidence. To our knowledge, this variant has not been reported in the literature. This variant is reported in 0.023% of alleles in individuals of South Asian descent in gnomAD. At this time, the clinical significance of this variant is uncertain due to the absence of conclusive functional and genetic evidence.